The following is an entry in ClinVar:

NM_001365951.3(KIF1B):c.4281C>T (p.Ser1427=)

Gene: KIF1B (kinesin family member 1B; plus strand). Cytogenetic location: 1p36.22.
Variant type: single nucleotide variant.
Coding change: c.4281C>T on transcript NM_001365951.3 (MANE Select); coding-DNA position 4281, C replaced by T.
Protein change: p.Ser1427=; no amino-acid change (serine 1427 retained).
Molecular consequence: synonymous variant.
Genome position (GRCh38, 1-based): chr1:10,361,802, C>T. VCF-style: chr1-10361802-C-T. GRCh37 (hg19) VCF-style: chr1-10421860-C-T.
Other names: c.4281C>T, p.Ser1427= (NM_001365952.1); c.4143C>T, p.Ser1381= (NM_015074.3).
Identifiers: ClinVar variation 698089 (VCV000698089.15), dbSNP rs148438684, ClinGen allele CA582025.

ClinVar aggregate classification (germline): Benign. Review status: criteria provided, multiple submitters, no conflicts (2 of 4 stars). 3 submissions from 3 submitters: Benign (2). 1 of the submissions does not count toward it. Last evaluated 2025-12-10.

Conditions:
Charcot-Marie-Tooth disease type 2. Also called: Charcot-Marie-Tooth type 2. Identifiers: Orphanet 64746, MedGen C0270914, MONDO:0018993.
KIF1B-related disorder. Also called: KIF1B-related condition.

Allele frequency attached by ClinVar (database versions not stated): ExAC 0.00007; gnomAD exomes 0.00013 and 0.00003; ESP Exome Variant Server 0.00008; gnomAD 0.00003; TOPMed 0.00011.
gnomAD v4.1: 52 of 1,613,904 alleles (0.0032%); highest among the groups gnomAD compares: Admixed American, 0.075%; no homozygotes.

Submissions (3):

Labcorp Genetics (formerly Invitae), Labcorp
Classification: Benign for Charcot-Marie-Tooth disease type 2. Last evaluated: 2025-12-10. Review status: criteria provided, single submitter. Criteria: Invitae Variant Classification Sherloc (09022015). Collection method: clinical testing. Allele origin: germline.

Ambry Genetics
Classification: Benign. Last evaluated: 2020-09-17. Review status: criteria provided, single submitter. Criteria: Ambry Variant Classification Scheme 2023. Collection method: clinical testing. Allele origin: germline.

PreventionGenetics, part of Exact Sciences
Classification: Likely benign for KIF1B-related condition. Last evaluated: 2019-11-12. Review status: no assertion criteria provided. Collection method: clinical testing. Allele origin: germline. Not counted in ClinVar's aggregate classification.
Comment: This variant is classified as likely benign based on ACMG/AMP sequence variant interpretation guidelines (Richards et al. 2015 PMID: 25741868, with internal and published modifications).